The following is an entry in ClinVar:

NM_005045.4(RELN):c.1919C>T (p.Pro640Leu)

Gene: RELN (reelin; minus strand). Cytogenetic location: 7q22.1.
Variant type: single nucleotide variant.
Coding change: c.1919C>T on transcript NM_005045.4 (MANE Select); coding-DNA position 1919, C replaced by T.
Protein change: p.Pro640Leu; replaces proline 640 with leucine.
Molecular consequence: missense variant.
Genome position (GRCh38, 1-based): chr7:103,650,357, G>A on the plus strand (C>T on the coding strand, the complement: RELN is on the minus strand). VCF-style: chr7-103650357-G-A. GRCh37 (hg19) VCF-style: chr7-103290804-G-A.
Other names: c.1919C>T, p.Pro640Leu (NM_173054.3); short protein forms P640L.
Identifiers: ClinVar variation 4279837 (VCV004279837.1).

ClinVar aggregate classification (germline): Uncertain significance (1 of 4 stars; one submission).

Conditions:
Norman-Roberts syndrome (LIS2). Also called: Lissencephaly 2 (Norman-Roberts type). Identifiers: Orphanet 89844, MedGen C0796089, MONDO:0009760, OMIM 257320.

Submission:

Clinical Genomics Laboratory, Washington University in St. Louis
Classification: Uncertain significance for Norman-Roberts syndrome. Last evaluated: 2025-06-24. Review status: criteria provided, single submitter. Criteria: ACMG Guidelines, 2015. Collection method: clinical testing. Allele origin: germline.
Comment: The RELN c.1919C>T (p.Pro640Leu) variant, to our knowledge, has not been reported in the medical literature. This variant is absent from the general population (gnomAD v.2.1.1), indicating it is not a common variant. Computational predictors are uncertain as to the impact of this variant on RELN function as a missense variant; however, computational predictors also indicate that this variant might alter splicing. Due to limited information, and based on ACMG/AMP guidelines for variant interpretation (Richards S et al., PMID: 25741868), the clinical significance of this variant is uncertain at this time.